The following is an entry in ClinVar:

NM_002528.7(NTHL1):c.705C>T (p.His235=)

Gene: NTHL1 (nth like DNA glycosylase 1; minus strand). Cytogenetic location: 16p13.3.
Variant type: single nucleotide variant.
Coding change: c.705C>T on transcript NM_002528.7 (MANE Select); coding-DNA position 705, C replaced by T.
Protein change: p.His235=; no amino-acid change (histidine 235 retained).
Molecular consequence: synonymous variant.
Genome position (GRCh38, 1-based): chr16:2,040,219, G>A on the plus strand (C>T on the coding strand, the complement: NTHL1 is on the minus strand). VCF-style: chr16-2040219-G-A. GRCh37 (hg19) VCF-style: chr16-2090220-G-A.
Other names: c.534C>T, p.His178= (NM_001318193.2); c.375C>T, p.His125= (NM_001318194.2).
Identifiers: ClinVar variation 766380 (VCV000766380.13), dbSNP rs992194912, ClinGen allele CA276761808.

ClinVar aggregate classification (germline): Conflicting classifications of pathogenicity. Review status: criteria provided, conflicting classifications (1 of 4 stars). 2 submissions from 2 submitters: Uncertain significance (1); Likely benign (1). Last evaluated 2023-02-10.

Submissions (2):

Labcorp Genetics (formerly Invitae), Labcorp
Classification: Likely benign. Last evaluated: 2023-02-10. Review status: criteria provided, single submitter. Criteria: Invitae Variant Classification Sherloc (09022015). Collection method: clinical testing. Allele origin: germline.

GeneDx
Classification: Uncertain significance. Last evaluated: 2021-04-07. Review status: criteria provided, single submitter. Criteria: GeneDx Variant Classification Process June 2021. Collection method: clinical testing. Allele origin: germline. Affected: yes.
Comment: Not observed in large population cohorts (Lek et al., 2016); Has not been previously published as pathogenic or benign to our knowledge; In-silico analysis, which includes splice predictors and evolutionary conservation, is inconclusive as to whether the variant alters gene splicing. In the absence of RNA/functional studies, the actual effect of this sequence change is unknown.